The following is an entry in ClinVar:

NM_006914.4(RORB):c.467A>G (p.Tyr156Cys)

Gene: RORB (RAR related orphan receptor B; plus strand). Cytogenetic location: 9q21.13.
Variant type: single nucleotide variant.
Coding change: c.467A>G on transcript NM_006914.4 (MANE Select); coding-DNA position 467, A replaced by G.
Protein change: p.Tyr156Cys; replaces tyrosine 156 with cysteine.
Molecular consequence: missense variant.
Genome position (GRCh38, 1-based): chr9:74,642,645, A>G. VCF-style: chr9-74642645-A-G. GRCh37 (hg19) VCF-style: chr9-77257561-A-G.
Other names: c.500A>G, p.Tyr167Cys (NM_001365023.1); short protein forms Y156C, Y167C.
Identifiers: ClinVar variation 2802663 (VCV002802663.3), dbSNP rs2489583965, ClinGen allele CA373769920.

ClinVar aggregate classification (germline): Uncertain significance (1 of 4 stars; one submission).

Submission:

Labcorp Genetics (formerly Invitae), Labcorp
Classification: Uncertain significance. Last evaluated: 2023-06-16. Review status: criteria provided, single submitter. Criteria: Invitae Variant Classification Sherloc (09022015). Collection method: clinical testing. Allele origin: germline.
Comment: This sequence change replaces tyrosine, which is neutral and polar, with cysteine, which is neutral and slightly polar, at codon 156 of the RORB protein (p.Tyr156Cys). This variant is not present in population databases (gnomAD no frequency). This variant has not been reported in the literature in individuals affected with RORB-related conditions. An algorithm developed to predict the effect of missense changes on protein structure and function (PolyPhen-2) suggests that this variant is likely to be disruptive. In summary, the available evidence is currently insufficient to determine the role of this variant in disease. Therefore, it has been classified as a Variant of Uncertain Significance.